The following is an entry in ClinVar:

NM_001009944.3(PKD1):c.12206C>T (p.Thr4069Ile)

Gene: PKD1 (polycystin 1, transient receptor potential channel interacting; minus strand). Cytogenetic location: 16p13.3.
Variant type: single nucleotide variant.
Coding change: c.12206C>T on transcript NM_001009944.3 (MANE Select); coding-DNA position 12206, C replaced by T.
Protein change: p.Thr4069Ile; replaces threonine 4069 with isoleucine.
Molecular consequence: missense variant.
Genome position (GRCh38, 1-based): chr16:2,090,523, G>A on the plus strand (C>T on the coding strand, the complement: PKD1 is on the minus strand). VCF-style: chr16-2090523-G-A. GRCh37 (hg19) VCF-style: chr16-2140524-G-A.
Other names: c.12203C>T, p.Thr4068Ile (NM_000296.4); short protein forms T4069I, T4068I.
Identifiers: ClinVar variation 2584958 (VCV002584958.2), dbSNP rs1335991596, ClinGen allele CA394326326.

ClinVar aggregate classification (germline): Uncertain significance. Review status: criteria provided, multiple submitters, no conflicts (2 of 4 stars). 2 submissions from 2 submitters: Uncertain significance (2). Last evaluated 2024-04-04.

Conditions:
Polycystic kidney disease, adult type (PKD1). Also called: POLYCYSTIC KIDNEY DISEASE 1 WITH OR WITHOUT POLYCYSTIC LIVER DISEASE; Polycystic Kidney Disease 1, Autosomal Dominant; Polycystic kidney disease 1; Polycystic kidney disease 1, severe; Polycystic Kidney, Autosomal Dominant; POLYCYSTIC KIDNEY DISEASE, ADULT, TYPE I. Identifiers: MedGen C3149841, MONDO:0008263, OMIM 173900.

Allele frequency attached by ClinVar (database versions not stated): gnomAD exomes below 0.00001.
gnomAD v4.1: 1 of 1,610,848 alleles (0.000062%); highest among the groups gnomAD compares: Non-Finnish European, 0.000085%; no homozygotes.

Submissions (2):

Fulgent Genetics
Classification: Uncertain significance for Polycystic kidney disease, adult type. Last evaluated: 2024-04-04. Review status: criteria provided, single submitter. Criteria: ACMG Guidelines, 2015. Collection method: clinical testing. Allele origin: germline.

Neuberg Centre For Genomic Medicine, NCGM
Classification: Uncertain significance for Polycystic kidney disease, adult type. Review status: criteria provided, single submitter. Criteria: ACMG Guidelines, 2015. Collection method: clinical testing. Allele origin: germline. Inheritance: Autosomal dominant inheritance. Affected: yes.
Comment: The missense variant c.12206C>T (p.Thr4069Ile) in PKD1 gene has not been reported previously as a pathogenic variant nor as a benign variant, to our knowledge. The p.Thr4069Ile variant is novel (not in any individuals) in gnomAD exomes and 1000 Genomes. This variant has not been reported to the ClinVar database. The amino acid Thr at position 4069 is changed to a Ile changing protein sequence and it might alter its composition and physico-chemical properties. For these reasons, this variant has been classified as Uncertain Significance (VUS).